The following is an entry in ClinVar:

NM_182760.4(SUMF1):c.191C>A (p.Ser64Ter)

Genes: SUMF1 (sulfatase modifying factor 1; minus strand), LOC129936056 (ATAC-STARR-seq lymphoblastoid silent region 14016; plus strand). Cytogenetic location: 3p26.1.
Variant type: single nucleotide variant.
Coding change: c.191C>A on transcript NM_182760.4 (MANE Select); coding-DNA position 191, C replaced by A.
Protein change: p.Ser64Ter; replaces serine 64 with a stop codon.
Molecular consequence: nonsense.
Genome position (GRCh38, 1-based): chr3:4,467,055, G>T on the plus strand (C>A on the coding strand, the complement: SUMF1 is on the minus strand). VCF-style: chr3-4467055-G-T. GRCh37 (hg19) VCF-style: chr3-4508739-G-T.
Other names: p.Ser64*; c.191C>A, p.Ser64Ter (NM_001164674.2, NM_001164675.2); short protein forms S64*.
Identifiers: ClinVar variation 928572 (VCV000928572.10), dbSNP rs1421066733, ClinGen allele CA351794227.

ClinVar aggregate classification (germline): Pathogenic/Likely pathogenic. Review status: criteria provided, multiple submitters, no conflicts (2 of 4 stars). 5 submissions from 5 submitters: Pathogenic (4); Likely pathogenic (1). Last evaluated 2024-05-14.

Conditions:
Multiple sulfatase deficiency (MSD). Also called: Multiple Sulfatase Deficiency Disease; Sulfatidosis, Juvenile, Austin Type; Mucosulfatidosis. Identifiers: Orphanet 585, MedGen C0268263, MONDO:0010088, OMIM 272200.
SUMF1-related disorder. Also called: SUMF1-related condition.

gnomAD v4.1: 1 of 1,568,854 alleles (0.000064%); highest among the groups gnomAD compares: Non-Finnish European, 0.000086%; no homozygotes.

Submissions (5):

Mayo Clinic Laboratories, Mayo Clinic
Classification: Pathogenic. Last evaluated: 2024-05-14. Review status: criteria provided, single submitter. Criteria: ACMG Guidelines, 2015. Collection method: clinical testing. Allele origin: germline. Observed: 1 variant allele.
Comment: PP4, PM2, PM3, PVS1

Labcorp Genetics (formerly Invitae), Labcorp
Classification: Pathogenic for Multiple sulfatase deficiency. Last evaluated: 2024-01-05. Review status: criteria provided, single submitter. Criteria: Invitae Variant Classification Sherloc (09022015). Collection method: clinical testing. Allele origin: germline.
Comment: This sequence change creates a premature translational stop signal (p.Ser64*) in the SUMF1 gene. It is expected to result in an absent or disrupted protein product. Loss-of-function variants in SUMF1 are known to be pathogenic (PMID: 12757705, 12757706, 25885655). This variant is not present in population databases (gnomAD no frequency). This premature translational stop signal has been observed in individual(s) with multiple sulfatase deficiency (PMID: 25516103). ClinVar contains an entry for this variant (Variation ID: 928572). For these reasons, this variant has been classified as Pathogenic.

Blueprint Genetics
Classification: Pathogenic for SUMF1-related disorders. Last evaluated: 2022-10-20. Review status: criteria provided, single submitter. Criteria: ACMG Guidelines, 2015. Collection method: clinical testing. Allele origin: germline. Affected: yes. Observed: 1 variant allele.

Genome-Nilou Lab
Classification: Pathogenic for Multiple sulfatase deficiency. Last evaluated: 2021-09-05. Review status: criteria provided, single submitter. Criteria: ACMG Guidelines, 2015. Collection method: clinical testing. Allele origin: germline. Affected: no.

Women's Health and Genetics/Laboratory Corporation of America, LabCorp
Classification: Likely pathogenic for Multiple sulfatase deficiency. Last evaluated: 2019-02-15. Review status: criteria provided, single submitter. Criteria: LabCorp Variant Classification Summary - May 2015. Collection method: clinical testing. Allele origin: germline.
Comment: Variant summary: The variant, SUMF1 c.191C>A (p.Ser64X) results in a premature termination codon, predicted to cause a truncation of the encoded protein or absence of the protein due to nonsense mediated decay, which are commonly known mechanisms for disease. A truncation downstream of this position has been classified as pathogenic by our laboratory (c.979C>T (p.Arg327X)). The variant was absent in 168112 control chromosomes (gnomAD), but has been reported in the literature in a compound heterozygous individual affected with Multiple Sulfatase Deficiency (Garavelli 2014). The authors of this study also performed enzyme activity testing in patient leucocytes, and demonstrated almost undetectable activities for all measured sulfatases (Garavelli 2014). No clinical diagnostic laboratories have submitted clinical-significance assessments for this variant to ClinVar after 2014. Based on the evidence outlined above, the variant was classified as likely pathogenic.

Literature cited by the submitters: PubMed 25516103 (cited by 3 submitters); PubMed 31497481 (cited by Mayo Clinic Laboratories, Mayo Clinic); PubMed 36789546 (cited by Mayo Clinic Laboratories, Mayo Clinic); PubMed 12757705 (cited by Labcorp Genetics (formerly Invitae), Labcorp); PubMed 12757706 (cited by Labcorp Genetics (formerly Invitae), Labcorp); PubMed 25885655 (cited by Labcorp Genetics (formerly Invitae), Labcorp).